The following is an entry in ClinVar:

NM_000400.4(ERCC2):c.334C>G (p.Arg112Gly)

Gene: ERCC2 (ERCC excision repair 2, TFIIH core complex helicase subunit; minus strand). Cytogenetic location: 19q13.32.
Variant type: single nucleotide variant.
Coding change: c.334C>G on transcript NM_000400.4 (MANE Select); coding-DNA position 334, C replaced by G.
Protein change: p.Arg112Gly; replaces arginine 112 with glycine.
Molecular consequence: missense variant.
Genome position (GRCh38, 1-based): chr19:45,368,656, G>C on the plus strand (C>G on the coding strand, the complement: ERCC2 is on the minus strand). VCF-style: chr19-45368656-G-C. GRCh37 (hg19) VCF-style: chr19-45871914-G-C.
Other names: c.262C>G, p.Arg88Gly (NM_001130867.2); short protein forms R112G, R88G.
Identifiers: ClinVar variation 3339346 (VCV003339346.1).
Genomic context (GRCh38, chr19:45,368,656, plus strand): 5'-GGGCTAAGGGCAAGGAGAAGGAACAGGTGCTCACCTCAGGGTGAATACACAAGTTTTTGC[G>C]GGAGCTCAGAGCCAGTCCCAGAAACGGCAGCTTCTCGCCCTCCTGCTTCTCATAGAAGTT-3'
Protein context (NP_000391.1, residues 102-122): LPFLGLALSS[Arg112Gly]KNLCIHPEVT

ClinVar aggregate classification (germline): Uncertain significance (1 of 4 stars; one submission).

gnomAD v4.1: 6 of 1,613,670 alleles (0.00037%); highest among the groups gnomAD compares: Non-Finnish European, 0.00051%; no homozygotes.

Submission:

Women's Health and Genetics/Laboratory Corporation of America, LabCorp
Classification: Uncertain significance. Last evaluated: 2024-07-24. Review status: criteria provided, single submitter. Criteria: LabCorp Variant Classification Summary - May 2015. Collection method: clinical testing. Allele origin: germline.
Comment: Variant summary: ERCC2 c.334C>G (p.Arg112Gly) results in a non-conservative amino acid change located in the Helicase-like, DEXD box c2 type domain (IPR006554) of the encoded protein sequence. Five of five in-silico tools predict a damaging effect of the variant on protein function. The variant was absent in 251240 control chromosomes (gnomAD). To our knowledge, no occurrence of c.334C>G in individuals affected with Trichothiodystrophy and no experimental evidence demonstrating its impact on protein function have been reported. A different variant affecting the same codon has been determined to be pathogenic (c.335G>A, p.Arg112His), supporting the critical relevance of codon 112 to ERCC2 protein function. No submitters have cited clinical-significance assessments for this variant to ClinVar. Based on the evidence outlined above, the variant was classified as VUS-possibly pathogenic.